The following is an entry in ClinVar:

ClinVar aggregate classification (germline): Uncertain significance (1 of 4 stars; one submission).

Conditions:
Familial cancer of breast. Also called: BREAST CANCER, FAMILIAL; Hereditary breast cancer; hereditary breast carcinoma. Identifiers: Orphanet 227535, MedGen C0346153, MONDO:0016419, OMIM 114480. Disease mechanism: loss of function.
Fanconi anemia complementation group J. Also called: BRIP1-Related Fanconi Anemia. Identifiers: Orphanet 84, MedGen C1836860, MONDO:0012187, OMIM 609054.

Submission:

Labcorp Genetics (formerly Invitae), Labcorp
Classification: Uncertain significance for Familial cancer of breast; Fanconi anemia complementation group J. Last evaluated: 2022-05-29. Review status: criteria provided, single submitter. Criteria: Invitae Variant Classification Sherloc (09022015). Collection method: clinical testing. Allele origin: germline.
Comment: This variant has not been reported in the literature in individuals affected with BRIP1-related conditions. This sequence change replaces aspartic acid, which is acidic and polar, with asparagine, which is neutral and polar, at codon 802 of the BRIP1 protein (p.Asp802Asn). This variant is not present in population databases (gnomAD no frequency). Algorithms developed to predict the effect of missense changes on protein structure and function are either unavailable or do not agree on the potential impact of this missense change (SIFT: "Tolerated"; PolyPhen-2: "Probably Damaging"; Align-GVGD: "Class C0"). In summary, the available evidence is currently insufficient to determine the role of this variant in disease. Therefore, it has been classified as a Variant of Uncertain Significance.

NM_032043.3(BRIP1):c.2404G>A (p.Asp802Asn)

Gene: BRIP1 (BRCA1 interacting DNA helicase 1; minus strand). Cytogenetic location: 17q23.2.
Variant type: single nucleotide variant.
Coding change: c.2404G>A on transcript NM_032043.3 (MANE Select); coding-DNA position 2404, G replaced by A.
Protein change: p.Asp802Asn; replaces aspartic acid 802 with asparagine.
Molecular consequence: missense variant.
Genome position (GRCh38, 1-based): chr17:61,716,039, C>T on the plus strand (G>A on the coding strand, the complement: BRIP1 is on the minus strand). VCF-style: chr17-61716039-C-T. GRCh37 (hg19) VCF-style: chr17-59793400-C-T.
Other names: short protein forms D802N.
Identifiers: ClinVar variation 2000370 (VCV002000370.4), dbSNP rs1555580944, ClinGen allele CA400479765.